The following is an entry in ClinVar:

ClinVar aggregate classification (germline): Pathogenic/Likely pathogenic. Review status: criteria provided, multiple submitters, no conflicts (2 of 4 stars). 4 submissions from 4 submitters: Pathogenic (2); Likely pathogenic (2). Last evaluated 2024-05-16.

Conditions:
Seizures, benign familial infantile, 3 (BFIS3). Also called: Familial neonatal seizures; CONVULSIONS, BENIGN FAMILIAL INFANTILE, 3. Identifiers: Orphanet 140927, Orphanet 306, MedGen C1843140, MONDO:0011904, OMIM 607745.
Developmental and epileptic encephalopathy, 11 (DEE11). Also called: Early infantile epileptic encephalopathy 11. Identifiers: Orphanet 1934, MedGen C3150987, MONDO:0013388, OMIM 613721.

Submissions (4):

Labcorp Genetics (formerly Invitae), Labcorp
Classification: Pathogenic for Seizures, benign familial infantile, 3; Developmental and epileptic encephalopathy, 11. Last evaluated: 2024-05-16. Review status: criteria provided, single submitter. Criteria: Invitae Variant Classification Sherloc (09022015). Collection method: clinical testing. Allele origin: germline.
Comment: This sequence change creates a premature translational stop signal (p.Arg1635*) in the SCN2A gene. While this is not anticipated to result in nonsense mediated decay, it is expected to disrupt the last 371 amino acid(s) of the SCN2A protein. This variant is not present in population databases (gnomAD no frequency). This variant has not been reported in the literature in individuals affected with SCN2A-related conditions. ClinVar contains an entry for this variant (Variation ID: 420835). This variant disrupts a region of the SCN2A protein in which other variant(s) (p.Gln1709Lysfs*12) have been determined to be pathogenic (Invitae). This suggests that this is a clinically significant region of the protein, and that variants that disrupt it are likely to be disease-causing. For these reasons, this variant has been classified as Pathogenic.

Revvity Omics, Revvity
Classification: Likely pathogenic. Last evaluated: 2022-03-21. Review status: criteria provided, single submitter. Criteria: ACMG Guidelines, 2015. Collection method: clinical testing. Allele origin: germline.

GeneDx
Classification: Likely pathogenic. Last evaluated: 2021-09-20. Review status: criteria provided, single submitter. Criteria: GeneDx Variant Classification Process June 2021. Collection method: clinical testing. Allele origin: germline. Affected: yes.
Comment: Nonsense variant in the C-terminus predicted to result in protein truncation as the last 371 amino acids are lost, and other loss-of-function variants have been reported downstream in the Human Gene Mutation Database (Stenson et al., 2014); Not observed in large population cohorts (Lek et al., 2016); This variant is associated with the following publications: (PMID: 14738421)

Victorian Clinical Genetics Services, Murdoch Childrens Research Institute
Classification: Pathogenic for Developmental and epileptic encephalopathy, 11. Last evaluated: 2021-05-06. Review status: criteria provided, single submitter. Criteria: ACMG Guidelines, 2015. Collection method: clinical testing. Allele origin: germline. Inheritance: Autosomal dominant inheritance. Affected: yes.
Comment: Based on the classification scheme VCGS_Germline_v1.3.4, this variant is classified as Pathogenic. Following criteria are met: 0103 - Loss of function and gain of function are known mechanisms of disease in this gene and are associated with SCN2A-related disorders. Variants causing a gain of function result in either developmental and epileptic encephalopathy 11 (MIM#613721) or benign familial infantile seizures 3 (MIM#607745), whereas variants displaying a loss of function cause autism spectrum disorder and/or intellectual disability, with or without childhood-onset seizures; the functional consequence of truncating variants is unknown (OMIM, PMID: 29691040). (I) 0107 - This gene is associated with autosomal dominant disease. (I) 0205 - Variant is predicted to result in a truncated protein (premature termination codon is NOT located at least 54 nucleotides upstream of the final exon-exon junction) with less than 1/3 of the protein sequence affected. (SP) 0251 - This variant is heterozygous. (I) 0301 - Variant is absent from gnomAD (both v2 and v3). (SP) 0600 - Variant is located within the final ion transport domain (NCBI, PDB). (I) 0701 - Other truncating variants comparable to the one identified in this case have very strong previous evidence for pathogenicity. At least 8 other downstream truncating variants have previously been reported as pathogenic in individuals with SCN2A-related disorders (ClinVar). (SP) 0803 - This variant has limited previous evidence of pathogenicity in an unrelated individual. The variant has previously been classified as likely pathogenic, however no further information was provided (ClinVar). (SP) 0905 - No published segregation evidence has been identified for this variant. (I) 1007 - No published functional evidence has been identified for this variant. (SP) Legend: (SP) - Supporting pathogenic, (I) - Information, (SB) - Supporting benign

Literature cited by the submitters: PubMed 29691040 (cited by Victorian Clinical Genetics Services, Murdoch Childrens Research Institute).

NM_001040142.2(SCN2A):c.4903C>T (p.Arg1635Ter)

Gene: SCN2A (sodium voltage-gated channel alpha subunit 2; plus strand). Cytogenetic location: 2q24.3.
Variant type: single nucleotide variant.
Coding change: c.4903C>T on transcript NM_001040142.2 (MANE Select); coding-DNA position 4903, C replaced by T.
Protein change: p.Arg1635Ter; replaces arginine 1635 with a stop codon.
Molecular consequence: nonsense.
Genome position (GRCh38, 1-based): chr2:165,388,709, C>T. VCF-style: chr2-165388709-C-T. GRCh37 (hg19) VCF-style: chr2-166245219-C-T.
Other names: c.4903C>T, p.Arg1635Ter (NM_001040143.2, NM_001371246.1, NM_001371247.1 and 1 more transcripts); short protein forms R1635*.
Identifiers: ClinVar variation 420835 (VCV000420835.11), dbSNP rs1064794730, ClinGen allele CA16617270.